The following is an entry in ClinVar:

ClinVar aggregate classification (germline): Uncertain significance. Review status: criteria provided, multiple submitters, no conflicts (2 of 4 stars). 2 submissions from 2 submitters: Uncertain significance (2). Last evaluated 2024-07-22.

Conditions:
Maple syrup urine disease, mild variant (MSUDMV). Identifiers: Orphanet 511, MedGen C3554575, MONDO:0014057, OMIM 615135.

Allele frequency attached by ClinVar (database versions not stated): gnomAD exomes 0.00002; gnomAD 0.00003; ExAC 0.00005; ESP Exome Variant Server 0.00008; TOPMed 0.00008.
gnomAD v4.1: 46 of 1,614,118 alleles (0.0028%); highest among the groups gnomAD compares: Middle Eastern, 0.016%; no homozygotes.

Submissions (2):

Labcorp Genetics (formerly Invitae), Labcorp
Classification: Uncertain significance for Maple syrup urine disease, mild variant. Last evaluated: 2024-07-22. Review status: criteria provided, single submitter. Criteria: Invitae Variant Classification Sherloc (09022015). Collection method: clinical testing. Allele origin: germline.
Comment: This sequence change replaces lysine, which is basic and polar, with arginine, which is basic and polar, at codon 103 of the PPM1K protein (p.Lys103Arg). This variant is present in population databases (rs375691738, gnomAD 0.01%). This variant has not been reported in the literature in individuals affected with PPM1K-related conditions. ClinVar contains an entry for this variant (Variation ID: 2141511). An algorithm developed to predict the effect of missense changes on protein structure and function (PolyPhen-2) suggests that this variant is likely to be tolerated. In summary, the available evidence is currently insufficient to determine the role of this variant in disease. Therefore, it has been classified as a Variant of Uncertain Significance.

Ambry Genetics
Classification: Uncertain significance. Last evaluated: 2021-07-09. Review status: criteria provided, single submitter. Criteria: Ambry Variant Classification Scheme 2023. Collection method: clinical testing. Allele origin: germline.

NM_152542.5(PPM1K):c.308A>G (p.Lys103Arg)

Gene: PPM1K (protein phosphatase, Mg2+/Mn2+ dependent 1K; minus strand). Cytogenetic location: 4q22.1.
Variant type: single nucleotide variant.
Coding change: c.308A>G on transcript NM_152542.5 (MANE Select); coding-DNA position 308, A replaced by G.
Protein change: p.Lys103Arg; replaces lysine 103 with arginine.
Molecular consequence: missense variant.
Genome position (GRCh38, 1-based): chr4:88,278,276, T>C on the plus strand (A>G on the coding strand, the complement: PPM1K is on the minus strand). VCF-style: chr4-88278276-T-C. GRCh37 (hg19) VCF-style: chr4-89199428-T-C.
Other names: c.308A>G (NM_152542.3); short protein forms K103R.
Identifiers: ClinVar variation 2141511 (VCV002141511.5), dbSNP rs375691738, ClinGen allele CA3005324.